The following is an entry in ClinVar:

ClinVar aggregate classification (germline): Uncertain significance (1 of 4 stars; one submission).

Conditions:
Compton-North congenital myopathy (CMYO12). Identifiers: Orphanet 210163, MedGen C2675527, MONDO:0012929, OMIM 612540.

Allele frequency attached by ClinVar (database versions not stated): TOPMed below 0.00001; gnomAD 0.00001; gnomAD exomes 0.00001; ExAC 0.00002.
gnomAD v4.1: 15 of 1,612,786 alleles (0.00093%); highest among the groups gnomAD compares: Non-Finnish European, 0.0013%; no homozygotes.

Submission:

Labcorp Genetics (formerly Invitae), Labcorp
Classification: Uncertain significance for Compton-North congenital myopathy. Last evaluated: 2020-03-07. Review status: criteria provided, single submitter. Criteria: Invitae Variant Classification Sherloc (09022015). Collection method: clinical testing. Allele origin: germline.
Comment: This sequence change falls in intron 13 of the CNTN1 gene. It does not directly change the encoded amino acid sequence of the CNTN1 protein, but it affects a nucleotide within the consensus splice site of the intron. This variant is present in population databases (rs768212555, ExAC 0.003%). This variant has not been reported in the literature in individuals with CNTN1-related disease. Nucleotide substitutions within the consensus splice site are a relatively common cause of aberrant splicing (PMID: 17576681, 9536098). Algorithms developed to predict the effect of sequence changes on RNA splicing suggest that this variant may create or strengthen a splice site, but this prediction has not been confirmed by published transcriptional studies. In summary, the available evidence is currently insufficient to determine the role of this variant in disease. Therefore, it has been classified as a Variant of Uncertain Significance.

Literature cited by the submitters: PubMed 17576681; PubMed 9536098.

NM_001843.4(CNTN1):c.1508-3T>C

Gene: CNTN1 (contactin 1; plus strand). Cytogenetic location: 12q12.
Variant type: single nucleotide variant.
Coding change: c.1508-3T>C on transcript NM_001843.4 (MANE Select); 3 bases into the intron before coding-DNA position 1508, T replaced by C.
Molecular consequence: intron variant.
Genome position (GRCh38, 1-based): chr12:40,943,992, T>C. VCF-style: chr12-40943992-T-C. GRCh37 (hg19) VCF-style: chr12-41337794-T-C.
Other names: c.1508-3T>C (NM_001256063.2, NM_001256064.2); c.1475-3T>C (NM_175038.2).
Identifiers: ClinVar variation 659286 (VCV000659286.9), dbSNP rs768212555, ClinGen allele CA6516880.